The following is an entry in ClinVar:

NM_001384125.1(BLTP1):c.2617C>T (p.Arg873Ter)

Gene: BLTP1 (bridge-like lipid transfer protein family member 1; plus strand). Cytogenetic location: 4q27.
Variant type: single nucleotide variant.
Coding change: c.2617C>T on transcript NM_001384125.1 (MANE Select); coding-DNA position 2617, C replaced by T.
Protein change: p.Arg873Ter; replaces arginine 873 with a stop codon.
Molecular consequence: nonsense.
Genome position (GRCh38, 1-based): chr4:122,224,501, C>T. VCF-style: chr4-122224501-C-T. GRCh37 (hg19) VCF-style: chr4-123145656-C-T.
Other names: c.2617C>T, p.Arg873Ter (NM_015312.4); short protein forms R873*.
Identifiers: ClinVar variation 5037986 (VCV005037986.2).

ClinVar aggregate classification (germline): Likely pathogenic (1 of 4 stars; one submission).

Conditions:
Alkuraya-Kucinskas syndrome. Identifiers: Orphanet 610569, MedGen C4693347, MONDO:0060631, OMIM 617822.

gnomAD v4.1: 2 of 1,609,314 alleles (0.00012%); highest among the groups gnomAD compares: African/African-American, 0.0013%; no homozygotes.

Submission:

Juno Genomics, Hangzhou Juno Genomics, Inc
Classification: Likely pathogenic for Alkuraya-Kucinskas syndrome. Review status: criteria provided, single submitter. Criteria: ACMG Guidelines, 2015. Collection method: clinical testing. Allele origin: germline.
Comment: Absent from controls (or at extremely low frequency if recessive) in Genome Aggregation Database.;Null variant in a gene where loss of function (LOF) is a known mechanism of disease.